The following is an entry in ClinVar:

NM_003070.5(SMARCA2):c.655C>T (p.Gln219Ter)

Gene: SMARCA2 (SWI/SNF related BAF chromatin remodeling complex subunit ATPase 2; plus strand). Cytogenetic location: 9p24.3.
Variant type: single nucleotide variant.
Coding change: c.655C>T on transcript NM_003070.5 (MANE Select); coding-DNA position 655, C replaced by T.
Protein change: p.Gln219Ter; replaces glutamine 219 with a stop codon.
Molecular consequence: nonsense.
Genome position (GRCh38, 1-based): chr9:2,039,765, C>T. VCF-style: chr9-2039765-C-T. GRCh37 (hg19) VCF-style: chr9-2039765-C-T.
Other names: c.655C>T, p.Gln219Ter (NM_001289396.2, NM_001289397.2, NM_139045.4); short protein forms Q219*.
Identifiers: ClinVar variation 1806669 (VCV001806669.1), dbSNP rs2537219670, ClinGen allele CA372780372.
Genomic context (GRCh38, chr9:2,039,765, plus strand): 5'-CCCGAAACGCTGCAGCTTGCAGTCCAGGGGAAAAGGACGTTGCCTGGCTTGCAGCAACAA[C>T]AGCAGCAGCAACAGCAGCAGCAGCAGCAGCAGCAGCAGCAGCAGCAGCAGCAACAGCAGC-3'

ClinVar aggregate classification (germline): Uncertain significance (1 of 4 stars; one submission).

Submission:

GeneDx
Classification: Uncertain significance. Last evaluated: 2022-06-24. Review status: criteria provided, single submitter. Criteria: GeneDx Variant Classification Process June 2021. Collection method: clinical testing. Allele origin: germline. Affected: yes.
Comment: Not observed at significant frequency in large population cohorts (gnomAD); Nonsense variant predicted to result in protein truncation or nonsense mediated decay in a gene or region of a gene for which loss of function is not a well-established mechanism of disease; Has not been previously published as pathogenic or benign to our knowledge